The following is an entry in ClinVar:

ClinVar aggregate classification (germline): Pathogenic/Likely pathogenic. Review status: criteria provided, multiple submitters, no conflicts (2 of 4 stars). 2 submissions from 2 submitters: Pathogenic (1); Likely pathogenic (1). Last evaluated 2024-05-28.

Conditions:
Agenesis of the corpus callosum with peripheral neuropathy (ACCPN). Also called: CHARLEVOIX DISEASE; POLYNEUROPATHY, SENSORIMOTOR, WITH OR WITHOUT AGENESIS OF THE CORPUS CALLOSUM; HMSN/ACC; Hereditary Motor and Sensory Neuropathy with Agenesis of the Corpus Callosum. Identifiers: Orphanet 1496, MedGen C0795950, MONDO:0000902, OMIM 218000. Disease mechanism: loss of function.

gnomAD v4.1: 2 of 1,613,760 alleles (0.00012%); highest among the groups gnomAD compares: Non-Finnish European, 0.00017%; no homozygotes.

Submissions (2):

Natera, Inc.
Classification: Likely pathogenic for Andermann syndrome. Last evaluated: 2024-05-28. Review status: criteria provided, single submitter. Criteria: Natera Variant Classification Schema (03/2026). Collection method: clinical testing. Allele origin: germline.
Comment: The c.2710G>T variant in SLC12A6 is a nonsense variant predicted to introduce a stop codon at amino acid 904. This variant is expected to result in nonsense mediated decay, truncation, or a dysfunctional protein product. This variant is rare in the general population with a frequency below the threshold expected for the associated phenotype(s). Given the available evidence, this variant is classified as Likely Pathogenic.

Labcorp Genetics (formerly Invitae), Labcorp
Classification: Pathogenic. Last evaluated: 2023-03-01. Review status: criteria provided, single submitter. Criteria: Invitae Variant Classification Sherloc (09022015). Collection method: clinical testing. Allele origin: germline.
Comment: For these reasons, this variant has been classified as Pathogenic. This variant is not present in population databases (gnomAD no frequency). This variant has not been reported in the literature in individuals affected with SLC12A6-related conditions. ClinVar contains an entry for this variant (Variation ID: 1452914). Algorithms developed to predict the effect of sequence changes on RNA splicing suggest that this variant may disrupt the consensus splice site. This sequence change creates a premature translational stop signal (p.Glu904*) in the SLC12A6 gene. It is expected to result in an absent or disrupted protein product. Loss-of-function variants in SLC12A6 are known to be pathogenic (PMID: 12368912, 16606917).

Literature cited by the submitters: PubMed 12368912 (cited by Labcorp Genetics (formerly Invitae), Labcorp); PubMed 16606917 (cited by Labcorp Genetics (formerly Invitae), Labcorp).

NM_001365088.1(SLC12A6):c.2710G>T (p.Glu904Ter)

Gene: SLC12A6 (solute carrier family 12 member 6; minus strand). Cytogenetic location: 15q14.
Variant type: single nucleotide variant.
Coding change: c.2710G>T on transcript NM_001365088.1 (MANE Select); coding-DNA position 2710, G replaced by T.
Protein change: p.Glu904Ter; replaces glutamic acid 904 with a stop codon.
Molecular consequence: nonsense.
Genome position (GRCh38, 1-based): chr15:34,238,324, C>A on the plus strand (G>T on the coding strand, the complement: SLC12A6 is on the minus strand). VCF-style: chr15-34238324-C-A. GRCh37 (hg19) VCF-style: chr15-34530525-C-A.
Other names: c.2533G>T, p.Glu845Ter (NM_001042494.2, NM_001042495.2); c.2683G>T, p.Glu895Ter (NM_001042496.2); c.2665G>T, p.Glu889Ter (NM_001042497.2); c.2557G>T, p.Glu853Ter (NM_005135.2); c.2710G>T, p.Glu904Ter (NM_133647.2); c.2710G>T (NM_133647.1); short protein forms E889*, E895*, E853*, E904*, E845*.
Identifiers: ClinVar variation 1452914 (VCV001452914.7), dbSNP rs767245568, ClinGen allele CA391618911.